The following is an entry in ClinVar:

ClinVar aggregate classification (germline): Uncertain significance (1 of 4 stars; one submission).

Submission:

Labcorp Genetics (formerly Invitae), Labcorp
Classification: Uncertain significance. Last evaluated: 2018-11-21. Review status: criteria provided, single submitter. Criteria: Invitae Variant Classification Sherloc (09022015). Collection method: clinical testing. Allele origin: germline.
Comment: This sequence change replaces aspartic acid with glutamic acid at codon 2166 of the POLE protein (p.Asp2166Glu). The aspartic acid residue is highly conserved and there is a small physicochemical difference between aspartic acid and glutamic acid. This variant is not present in population databases (ExAC no frequency). This variant has not been reported in the literature in individuals with POLE-related disease. Algorithms developed to predict the effect of missense changes on protein structure and function are either unavailable or do not agree on the potential impact of this missense change (SIFT: "Deleterious"; PolyPhen-2: "Probably Damaging"; Align-GVGD: "Class C0"). In summary, the available evidence is currently insufficient to determine the role of this variant in disease. Therefore, it has been classified as a Variant of Uncertain Significance.

NM_006231.4(POLE):c.6498C>A (p.Asp2166Glu)

Gene: POLE (DNA polymerase epsilon, catalytic subunit; minus strand). Cytogenetic location: 12q24.33.
Variant type: single nucleotide variant.
Coding change: c.6498C>A on transcript NM_006231.4 (MANE Select); coding-DNA position 6498, C replaced by A.
Protein change: p.Asp2166Glu; replaces aspartic acid 2166 with glutamic acid.
Molecular consequence: missense variant.
Genome position (GRCh38, 1-based): chr12:132,626,150, G>T on the plus strand (C>A on the coding strand, the complement: POLE is on the minus strand). VCF-style: chr12-132626150-G-T. GRCh37 (hg19) VCF-style: chr12-133202736-G-T.
Other names: short protein forms D2166E.
Identifiers: ClinVar variation 654845 (VCV000654845.8), dbSNP rs946547049, ClinGen allele CA387367250.